The following is an entry in ClinVar:

NM_007294.4(BRCA1):c.1490C>T (p.Pro497Leu)

Gene: BRCA1 (BRCA1 DNA repair associated; minus strand). Cytogenetic location: 17q21.31.
Variant type: single nucleotide variant.
Coding change: c.1490C>T on transcript NM_007294.4 (MANE Select); coding-DNA position 1490, C replaced by T.
Protein change: p.Pro497Leu; replaces proline 497 with leucine.
Molecular consequence: missense variant. On other transcripts: intron variant (137).
Genome position (GRCh38, 1-based): chr17:43,094,041, G>A on the plus strand (C>T on the coding strand, the complement: BRCA1 is on the minus strand). VCF-style: chr17-43094041-G-A. GRCh37 (hg19) VCF-style: chr17-41246058-G-A.
Other names: c.1277C>T, p.Pro426Leu (NM_001407571.1, NM_001407853.1, NM_001407894.1 and 9 more transcripts); c.1490C>T, p.Pro497Leu (NM_001407581.1, NM_001407582.1, NM_001407583.1 and 30 more transcripts); c.1487C>T, p.Pro496Leu (NM_001407587.1, NM_001407590.1, NM_001407591.1 and 22 more transcripts); c.1481C>T, p.Pro494Leu (NM_001407646.1, NM_001407647.1); c.1367C>T, p.Pro456Leu (NM_001407648.1, NM_001407664.1, NM_001407665.1 and 19 more transcripts); c.1364C>T, p.Pro455Leu (NM_001407649.1, NM_001407670.1, NM_001407671.1 and 11 more transcripts); c.1412C>T, p.Pro471Leu (NM_001407653.1, NM_001407654.1, NM_001407655.1 and 4 more transcripts); c.1409C>T, p.Pro470Leu (NM_001407659.1, NM_001407660.1, NM_001407661.1 and 1 more transcripts); and 40 more; short protein forms P497L, P450L, P426L, P456L, P201L, P369L, P370L, P386L.
Identifiers: ClinVar variation 479224 (VCV000479224.8), dbSNP rs1555591693, ClinGen allele CA10599065.
Genomic context (GRCh38, chr17:43,094,041, plus strand): 5'-AAATCCTCAGGATGAAGGCCTGATGTAGGTCTCCTTTTACGCTTTAATTTATTTGTGAGG[G>A]GACGCTCTTGTATTATCTGTGGCTCAGTAACAAATGCTCCTATAATTAGATTTTCAGTTA-3'
Protein context (NP_009225.1, residues 487-507): VTEPQIIQER[Pro497Leu]LTNKLKRKRR

ClinVar aggregate classification (germline): Conflicting classifications of pathogenicity. Review status: criteria provided, conflicting classifications (1 of 4 stars). 2 submissions from 2 submitters: Uncertain significance (1); Likely benign (1). Last evaluated 2023-03-23.

Conditions:
Hereditary cancer-predisposing syndrome. Also called: Neoplastic Syndromes, Hereditary; Hereditary Cancer Syndrome; Hereditary neoplastic syndrome; Tumor predisposition. Identifiers: Orphanet 140162, MedGen C0027672, MeSH D009386, MONDO:0015356.

Allele frequency attached by ClinVar (database versions not stated): gnomAD below 0.00001 and 0.00001.
gnomAD v4.1: 1 of 1,613,744 alleles (0.000062%); highest among the groups gnomAD compares: South Asian, 0.0011%; no homozygotes.

Submissions (2):

University of Washington Department of Laboratory Medicine, University of Washington
Classification: Likely benign for Hereditary cancer-predisposing syndrome. Last evaluated: 2023-03-23. Review status: criteria provided, single submitter. Criteria: Dines et al. (Genet Med. 2020). Collection method: curation. Allele origin: germline.
Comment: Missense variant in a coldspot region where missense variants are very unlikely to be pathogenic (PMID:31911673).

BRCA1 coldspot (exon 11 using historical exon numbering). Reclassification based on statistical prior probability

Ambry Genetics
Classification: Uncertain significance for Hereditary cancer-predisposing syndrome. Last evaluated: 2016-07-15. Review status: criteria provided, single submitter. Criteria: Ambry Variant Classification Scheme 2023. Collection method: clinical testing. Allele origin: germline.
Comment: The p.P497L variant (also known as c.1490C>T), located in coding exon 9 of the BRCA1 gene, results from a C to T substitution at nucleotide position 1490. The proline at codon 497 is replaced by leucine, an amino acid with similar properties. This variant was not reported in population based cohorts in the following databases: Database of Single Nucleotide Polymorphisms (dbSNP), NHLBI Exome Sequencing Project (ESP), and 1000 Genomes Project. In the ESP, this variant was not observed in 6503 samples (13006 alleles) with coverage at this position. To date, this alteration has been detected with an allele frequency of approximately 0.0003% (greater than 300000 alleles tested) in our clinical cohort. This amino acid position is not well conserved in available vertebrate species. In addition, the in silico prediction for this alteration is inconclusive. Since supporting evidence is limited at this time, the clinical significance of this alteration remains unclear.